The following is an entry in ClinVar:

ClinVar aggregate classification (germline): Uncertain significance (1 of 4 stars; one submission).

Conditions:
Hereditary breast ovarian cancer syndrome. Also called: Hereditary breast and ovarian cancer syndrome; Breast and ovarian cancer; BRCA1- and BRCA2-Associated Hereditary Breast and Ovarian Cancer; Hereditary breast and ovarian cancer syndrome (HBOC); Hereditary breast and ovarian cancer; Hereditary breast and/or ovarian cancer syndrome. Identifiers: Orphanet 145, MedGen C0677776, MeSH D061325, MONDO:0003582. Disease mechanism: loss of function.

Allele frequency attached by ClinVar (database versions not stated): TOPMed below 0.00001.

Submission:

Labcorp Genetics (formerly Invitae), Labcorp
Classification: Uncertain significance for Hereditary breast ovarian cancer syndrome. Last evaluated: 2022-01-21. Review status: criteria provided, single submitter. Criteria: Invitae Variant Classification Sherloc (09022015). Collection method: clinical testing. Allele origin: germline.
Comment: This variant has not been reported in the literature in individuals affected with BRCA2-related conditions. Advanced modeling of protein sequence and biophysical properties (such as structural, functional, and spatial information, amino acid conservation, physicochemical variation, residue mobility, and thermodynamic stability) performed at Invitae indicates that this missense variant is not expected to disrupt BRCA2 protein function. In summary, the available evidence is currently insufficient to determine the role of this variant in disease. Therefore, it has been classified as a Variant of Uncertain Significance. This variant is not present in population databases (gnomAD no frequency). This sequence change replaces valine, which is neutral and non-polar, with isoleucine, which is neutral and non-polar, at codon 2966 of the BRCA2 protein (p.Val2966Ile).

NM_000059.4(BRCA2):c.8896G>A (p.Val2966Ile)

Gene: BRCA2 (BRCA2 DNA repair associated; plus strand). Cytogenetic location: 13q13.1.
Variant type: single nucleotide variant.
Coding change: c.8896G>A on transcript NM_000059.4 (MANE Select); coding-DNA position 8896, G replaced by A.
Protein change: p.Val2966Ile; replaces valine 2966 with isoleucine.
Molecular consequence: missense variant.
Genome position (GRCh38, 1-based): chr13:32,379,458, G>A. VCF-style: chr13-32379458-G-A. GRCh37 (hg19) VCF-style: chr13-32953595-G-A.
Other names: c.8800G>A, p.Val2934Ile (NM_001406719.1); c.8896G>A, p.Val2966Ile (NM_001406720.1); c.3964G>A, p.Val1322Ile (NM_001406721.1); c.2479G>A, p.Val827Ile (NM_001406722.1); short protein forms V2934I, V1322I, V827I, V2966I.
Identifiers: ClinVar variation 2088785 (VCV002088785.3), dbSNP rs1051853391, ClinGen allele CA247493382.